The following is an entry in ClinVar:

ClinVar aggregate classification (germline): Pathogenic (1 of 4 stars; one submission).

Conditions:
Joubert syndrome 25 (JBTS25). Identifiers: Orphanet 475, MedGen C4084842, MONDO:0014770, OMIM 616781.

gnomAD v4.1: 53 of 1,611,298 alleles (0.0033%); highest among the groups gnomAD compares: Non-Finnish European, 0.0045%; no homozygotes.

Submission:

Labcorp Genetics (formerly Invitae), Labcorp
Classification: Pathogenic for Joubert syndrome 25. Last evaluated: 2024-05-06. Review status: criteria provided, single submitter. Criteria: Invitae Variant Classification Sherloc (09022015). Collection method: clinical testing. Allele origin: germline.
Comment: This sequence change creates a premature translational stop signal (p.Arg53*) in the CEP104 gene. It is expected to result in an absent or disrupted protein product. Loss-of-function variants in CEP104 are known to be pathogenic (PMID: 26477546). This variant is present in population databases (rs748010762, gnomAD 0.003%). This variant has not been reported in the literature in individuals affected with CEP104-related conditions. For these reasons, this variant has been classified as Pathogenic.

Literature cited by the submitters: PubMed 26477546.

NM_014704.4(CEP104):c.157A>T (p.Arg53Ter)

Gene: CEP104 (centrosomal protein 104; minus strand). Cytogenetic location: 1p36.32.
Variant type: single nucleotide variant.
Coding change: c.157A>T on transcript NM_014704.4 (MANE Select); coding-DNA position 157, A replaced by T.
Protein change: p.Arg53Ter; replaces arginine 53 with a stop codon.
Molecular consequence: nonsense.
Genome position (GRCh38, 1-based): chr1:3,848,738, T>A on the plus strand (A>T on the coding strand, the complement: CEP104 is on the minus strand). VCF-style: chr1-3848738-T-A. GRCh37 (hg19) VCF-style: chr1-3765302-T-A.
Other names: short protein forms R53*.
Identifiers: ClinVar variation 3646990 (VCV003646990.2).